The following is an entry in ClinVar:

NM_213599.3(ANO5):c.295-16T>A

Gene: ANO5 (anoctamin 5; plus strand). Cytogenetic location: 11p14.3.
Variant type: single nucleotide variant.
Coding change: c.295-16T>A on transcript NM_213599.3 (MANE Select); 16 bases into the intron before coding-DNA position 295, T replaced by A.
Molecular consequence: intron variant.
Genome position (GRCh38, 1-based): chr11:22,225,968, T>A. VCF-style: chr11-22225968-T-A. GRCh37 (hg19) VCF-style: chr11-22247514-T-A.
Other names: c.292-16T>A (NM_001142649.2).
Identifiers: ClinVar variation 388034 (VCV000388034.4), dbSNP rs746448319, ClinGen allele CA16606216.
Genomic context (GRCh38, chr11:22,225,968, plus strand): 5'-TATATTGAATCTGTCAATACTGAGCAAATAAAACAAAAGCATTCTGCATAATTCTGTTGA[T>A]TTTTTTTTGTCATAGGAAAGAAGAAAAGAGTTTGAAACTAATCTCAGAAAAACAGGTCTT-3'

ClinVar aggregate classification (germline): Likely benign. Review status: criteria provided, multiple submitters, no conflicts (2 of 4 stars). 2 submissions from 2 submitters: Likely benign (2). Last evaluated 2025-04-28.

Conditions:
Gnathodiaphyseal dysplasia (GDD). Also called: GNATHODIAPHYSEAL SCLEROSIS; OSTEOGENESIS IMPERFECTA WITH UNUSUAL SKELETAL LESIONS. Identifiers: Orphanet 53697, MedGen C1833736, MONDO:0008151, OMIM 166260.
Autosomal recessive limb-girdle muscular dystrophy type 2L (LGMDR12). Also called: Limb-girdle muscular dystrophy, type 2L; MUSCULAR DYSTROPHY, LIMB-GIRDLE, AUTOSOMAL RECESSIVE 12; Limb-Girdle Muscular Dystrophy R12 Anoctamin-5-Related (LGMD-R12). Identifiers: Orphanet 206549, MedGen C1969785, MONDO:0012652, OMIM 611307.

gnomAD v4.1: 15 of 1,481,464 alleles (0.001%); highest among the groups gnomAD compares: Non-Finnish European, 0.0013%; no homozygotes.

Submissions (2):

Labcorp Genetics (formerly Invitae), Labcorp
Classification: Likely benign for Autosomal recessive limb-girdle muscular dystrophy type 2L; Gnathodiaphyseal dysplasia. Last evaluated: 2025-04-28. Review status: criteria provided, single submitter. Criteria: Invitae Variant Classification Sherloc (09022015). Collection method: clinical testing. Allele origin: germline.

GeneDx
Classification: Likely benign. Last evaluated: 2016-08-05. Review status: criteria provided, single submitter. Criteria: GeneDx Variant Classification (06012015). Collection method: clinical testing. Allele origin: germline. Affected: yes.
Comment: This variant is considered likely benign or benign based on one or more of the following criteria: it is a conservative change, it occurs at a poorly conserved position in the protein, it is predicted to be benign by multiple in silico algorithms, and/or has population frequency not consistent with disease.